The following is an entry in ClinVar:

NM_001843.4(CNTN1):c.907G>C (p.Glu303Gln)

Gene: CNTN1 (contactin 1; plus strand). Cytogenetic location: 12q12.
Variant type: single nucleotide variant.
Coding change: c.907G>C on transcript NM_001843.4 (MANE Select); coding-DNA position 907, G replaced by C.
Protein change: p.Glu303Gln; replaces glutamic acid 303 with glutamine.
Molecular consequence: missense variant.
Genome position (GRCh38, 1-based): chr12:40,933,800, G>C. VCF-style: chr12-40933800-G-C. GRCh37 (hg19) VCF-style: chr12-41327602-G-C.
Other names: c.907G>C, p.Glu303Gln (NM_001256063.2, NM_001256064.2); c.874G>C, p.Glu292Gln (NM_175038.2); c.907G>C (NM_001843.2); short protein forms E303Q, E292Q.
Identifiers: ClinVar variation 566541 (VCV000566541.9), dbSNP rs1487254662, ClinGen allele CA384423363.
Genomic context (GRCh38, chr12:40,933,800, plus strand): 5'-CCAAGCACTGCTGAGATTAGCACCTCTGGGGCTGTTCTTAAGATCTTCAATATTCAGCTA[G>C]AAGATGAAGGCATCTATGAATGTGAGGCTGAGAACATTAGAGGAAAGGATAAACATCAAG-3'
Protein context (NP_001834.2, residues 293-313): AVLKIFNIQL[Glu303Gln]DEGIYECEAE

ClinVar aggregate classification (germline): Uncertain significance. Review status: criteria provided, multiple submitters, no conflicts (2 of 4 stars). 2 submissions from 2 submitters: Uncertain significance (2). Last evaluated 2024-08-26.

Conditions:
Compton-North congenital myopathy (CMYO12). Identifiers: Orphanet 210163, MedGen C2675527, MONDO:0012929, OMIM 612540.
Inborn genetic diseases. Identifiers: MedGen C0950123, MeSH D030342.

Allele frequency attached by ClinVar (database versions not stated): gnomAD exomes below 0.00001; TOPMed 0.00002.
gnomAD v4.1: 2 of 1,612,698 alleles (0.00012%); highest among the groups gnomAD compares: Non-Finnish European, 0.00017%; no homozygotes.

Submissions (2):

Ambry Genetics
Classification: Uncertain significance for Inborn genetic diseases. Last evaluated: 2024-08-26. Review status: criteria provided, single submitter. Criteria: Ambry Variant Classification Scheme 2023. Collection method: clinical testing. Allele origin: germline.

Labcorp Genetics (formerly Invitae), Labcorp
Classification: Uncertain significance for Compton-North congenital myopathy. Last evaluated: 2020-03-11. Review status: criteria provided, single submitter. Criteria: Invitae Variant Classification Sherloc (09022015). Collection method: clinical testing. Allele origin: germline.
Comment: This variant is not present in population databases (ExAC no frequency). This variant has not been reported in the literature in individuals with CNTN1-related disease. Algorithms developed to predict the effect of missense changes on protein structure and function (SIFT, PolyPhen-2, Align-GVGD) all suggest that this variant is likely to be disruptive, but these predictions have not been confirmed by published functional studies and their clinical significance is uncertain. In summary, the available evidence is currently insufficient to determine the role of this variant in disease. Therefore, it has been classified as a Variant of Uncertain Significance. This sequence change replaces glutamic acid with glutamine at codon 303 of the CNTN1 protein (p.Glu303Gln). The glutamic acid residue is highly conserved and there is a small physicochemical difference between glutamic acid and glutamine.